The following is an entry in ClinVar:

NM_002234.4(KCNA5):c.1696G>C (p.Ala566Pro)

Gene: KCNA5 (potassium voltage-gated channel subfamily A member 5; plus strand). Cytogenetic location: 12p13.32.
Variant type: single nucleotide variant.
Coding change: c.1696G>C on transcript NM_002234.4 (MANE Select); coding-DNA position 1696, G replaced by C.
Protein change: p.Ala566Pro; replaces alanine 566 with proline.
Molecular consequence: missense variant.
Genome position (GRCh38, 1-based): chr12:5,045,843, G>C. VCF-style: chr12-5045843-G-C. GRCh37 (hg19) VCF-style: chr12-5155009-G-C.
Other names: short protein forms A566P.
Identifiers: ClinVar variation 1419581 (VCV001419581.8), dbSNP rs2137773971, ClinGen allele CA383467034.

ClinVar aggregate classification (germline): Uncertain significance (1 of 4 stars; one submission).

Conditions:
Atrial fibrillation, familial, 7 (ATFB7). Identifiers: MedGen C2677106, MONDO:0012828, OMIM 612240.

Submission:

Labcorp Genetics (formerly Invitae), Labcorp
Classification: Uncertain significance for Atrial fibrillation, familial, 7. Last evaluated: 2020-12-19. Review status: criteria provided, single submitter. Criteria: Invitae Variant Classification Sherloc (09022015). Collection method: clinical testing. Allele origin: germline.
Comment: In summary, the available evidence is currently insufficient to determine the role of this variant in disease. Therefore, it has been classified as a Variant of Uncertain Significance. Algorithms developed to predict the effect of missense changes on protein structure and function output the following: SIFT: "Tolerated"; PolyPhen-2: "Benign"; Align-GVGD: "Class C0". The proline amino acid residue is found in multiple mammalian species, suggesting that this missense change does not adversely affect protein function. These predictions have not been confirmed by published functional studies and their clinical significance is uncertain. This variant has not been reported in the literature in individuals with KCNA5-related conditions. This variant is not present in population databases (ExAC no frequency). This sequence change replaces alanine with proline at codon 566 of the KCNA5 protein (p.Ala566Pro). The alanine residue is weakly conserved and there is a small physicochemical difference between alanine and proline.